The following is an entry in ClinVar:

NM_000059.4(BRCA2):c.2281T>C (p.Tyr761His)

Gene: BRCA2 (BRCA2 DNA repair associated; plus strand). Cytogenetic location: 13q13.1.
Variant type: single nucleotide variant.
Coding change: c.2281T>C on transcript NM_000059.4 (MANE Select); coding-DNA position 2281, T replaced by C.
Protein change: p.Tyr761His; replaces tyrosine 761 with histidine.
Molecular consequence: missense variant.
Genome position (GRCh38, 1-based): chr13:32,336,636, T>C. VCF-style: chr13-32336636-T-C. GRCh37 (hg19) VCF-style: chr13-32910773-T-C.
Other names: 2509T>C; short protein forms Y761H.
Identifiers: ClinVar variation 37779 (VCV000037779.41), dbSNP rs80358499, ClinGen allele CA014861.

ClinVar aggregate classification (germline): Conflicting classifications of pathogenicity. Review status: criteria provided, conflicting classifications (1 of 4 stars). 10 submissions from 10 submitters: Uncertain significance (6); Likely benign (2). 2 of the submissions do not count toward it. Last evaluated 2025-11-22.

Conditions:
Hereditary cancer-predisposing syndrome. Also called: Tumor predisposition; Neoplastic Syndromes, Hereditary; Hereditary neoplastic syndrome; Hereditary Cancer Syndrome. Identifiers: Orphanet 140162, MedGen C0027672, MeSH D009386, MONDO:0015356.
Hereditary breast ovarian cancer syndrome. Also called: Hereditary breast and ovarian cancer; Hereditary breast and ovarian cancer syndrome (HBOC); Hereditary breast and/or ovarian cancer syndrome; Breast and ovarian cancer; Hereditary breast and ovarian cancer syndrome; BRCA1- and BRCA2-Associated Hereditary Breast and Ovarian Cancer. Identifiers: Orphanet 145, MedGen C0677776, MeSH D061325, MONDO:0003582. Disease mechanism: loss of function.
Breast-ovarian cancer, familial, susceptibility to, 2 (BROVCA2). Also called: BRCA2 Hereditary Breast and Ovarian Cancer. Identifiers: Orphanet 145, MedGen C2675520, MONDO:0012933, OMIM 612555. Disease mechanism: loss of function.

Allele frequency attached by ClinVar (database versions not stated): gnomAD exomes below 0.00001.
gnomAD v4.1: 3 of 1,614,080 alleles (0.00019%); highest among the groups gnomAD compares: Middle Eastern, 0.033%; no homozygotes.

Submissions (10):

Labcorp Genetics (formerly Invitae), Labcorp
Classification: Uncertain significance for Hereditary breast ovarian cancer syndrome. Last evaluated: 2025-11-22. Review status: criteria provided, single submitter. Criteria: Invitae Variant Classification Sherloc (09022015). Collection method: clinical testing. Allele origin: germline.
Comment: This sequence change replaces tyrosine, which is neutral and polar, with histidine, which is basic and polar, at codon 761 of the BRCA2 protein (p.Tyr761His). This variant is present in population databases (rs80358499, gnomAD 0.0009%). This missense change has been observed in individual(s) with pancreatic cancer and breast cancer (PMID: 31432501, 38074417). ClinVar contains an entry for this variant (Variation ID: 37779). Invitae Evidence Modeling of protein sequence and biophysical properties (such as structural, functional, and spatial information, amino acid conservation, physicochemical variation, residue mobility, and thermodynamic stability) indicates that this missense variant is not expected to disrupt BRCA2 protein function with a negative predictive value of 95%. In summary, the available evidence is currently insufficient to determine the role of this variant in disease. Therefore, it has been classified as a Variant of Uncertain Significance.

Ambry Genetics
Classification: Uncertain significance for Hereditary cancer-predisposing syndrome. Last evaluated: 2025-08-21. Review status: criteria provided, single submitter. Criteria: Ambry Variant Classification Scheme 2023. Collection method: clinical testing. Allele origin: germline.
Comment: The p.Y761H variant (also known as c.2281T>C), located in coding exon 10 of the BRCA2 gene, results from a T to C substitution at nucleotide position 2281. The tyrosine at codon 761 is replaced by histidine, an amino acid with similar properties. This amino acid position is not well conserved in available vertebrate species. In addition, this alteration is predicted to be tolerated by in silico analysis. Since supporting evidence is limited at this time, the clinical significance of this alteration remains unclear.

Color Diagnostics, LLC DBA Color Health
Classification: Likely benign for Hereditary cancer-predisposing syndrome. Last evaluated: 2024-10-29. Review status: criteria provided, single submitter. Criteria: ACMG Guidelines, 2015. Collection method: clinical testing. Allele origin: germline.

Quest Diagnostics Nichols Institute San Juan Capistrano
Classification: Uncertain significance. Last evaluated: 2023-10-30. Review status: criteria provided, single submitter. Criteria: Quest Diagnostics criteria. Collection method: clinical testing. Allele origin: unknown.
Comment: The BRCA2 c.2281T>C (p.Tyr761His) variant has been reported in the published literature in an individual with pancreatic cancer (PMID: 31432501 (2019)) and is described to be located in a region of the BRCA2 gene that is tolerant to missense sequence changes (PMID: 31911673 (2020)). In a large breast cancer association study, this variant was found in both a healthy individual and an individual with breast cancer (PMID: 33471991 (2021), see also LOVD). The frequency of this variant in the general population, 0.000004 (1/251178 chromosomes (Genome Aggregation Database)), is uninformative in the assessment of its pathogenicity. Analysis of this variant using bioinformatics tools for the prediction of the effect of amino acid changes on protein structure and function yielded predictions that this variant is benign. Based on the available information, we are unable to determine the clinical significance of this variant.

All of Us Research Program, National Institutes of Health
Classification: Uncertain significance for Breast-ovarian cancer, familial, susceptibility to, 2. Last evaluated: 2023-08-08. Review status: criteria provided, single submitter. Criteria: ACMG Guidelines, 2015. Collection method: clinical testing. Allele origin: germline. Inheritance: Autosomal dominant inheritance. Observed: 1 variant allele, 1 heterozygote.
Comment: This missense variant replaces tyrosine with histidine at codon 761 of the BRCA2 protein. Computational prediction suggests that this variant may not impact protein structure and function (internally defined REVEL score threshold <= 0.5, PMID: 27666373). To our knowledge, functional studies have not been reported for this variant. This variant has been reported in one individual each affected with pancreatic cancer and breast cancer (PMID: 31432501, 33471991; Leiden Open Variation Database DB-ID BRCA2_002347). This variant has been identified in 1/251178 chromosomes in the general population by the Genome Aggregation Database (gnomAD). The available evidence is insufficient to determine the role of this variant in disease conclusively. Therefore, this variant is classified as a Variant of Uncertain Significance.

This study involves interpretation of variants in research participants for the purpose of population health screening. Participant phenotype was not available at the time of variant classification. Additional details can be found in publication PMID: 35346344, PMCID: PMC8962531

University of Washington Department of Laboratory Medicine, University of Washington
Classification: Likely benign for Hereditary cancer-predisposing syndrome. Last evaluated: 2023-03-23. Review status: criteria provided, single submitter. Criteria: Dines et al. (Genet Med. 2020). Collection method: curation. Allele origin: germline.
Comment: Missense variant in a coldspot region where missense variants are very unlikely to be pathogenic (PMID:31911673).

BRCA2 exon 11 coldspot. Reclassification based on statistical prior probability.

GeneDx
Classification: Uncertain significance. Last evaluated: 2019-06-25. Review status: criteria provided, single submitter. Criteria: GeneDx Variant Classification Process June 2021. Collection method: clinical testing. Allele origin: germline. Affected: yes.
Comment: Not observed at a significant frequency in large population cohorts (Lek 2016); In silico analysis, which includes protein predictors and evolutionary conservation, supports that this variant does not alter protein structure/function; Has not been previously published as pathogenic or benign to our knowledge; This variant is associated with the following publications: (PMID: 31432501)

Mendelics
Classification: Uncertain significance for Breast-ovarian cancer, familial, susceptibility to, 2. Last evaluated: 2019-05-28. Review status: criteria provided, single submitter. Criteria: Mendelics Assertion Criteria 2017. Collection method: clinical testing. Allele origin: unknown.

Sharing Clinical Reports Project (SCRP)
Classification: Uncertain significance for Breast-ovarian cancer, familial 2. Last evaluated: 2010-10-01. Review status: no assertion criteria provided. Collection method: clinical testing. Allele origin: germline. Not counted in ClinVar's aggregate classification.

Breast Cancer Information Core (BIC) (BRCA2)
Classification: Uncertain significance for Breast-ovarian cancer, familial 2. Last evaluated: 2006-07-19. Review status: no assertion criteria provided. Collection method: clinical testing. Allele origin: unknown. Affected: yes. Observed: 1 variant allele. Not counted in ClinVar's aggregate classification.

Literature cited by the submitters: PubMed 31432501 (cited by 4 submitters); PubMed 38074417 (cited by Labcorp Genetics (formerly Invitae), Labcorp); PubMed 33471991 (cited by Quest Diagnostics Nichols Institute San Juan Capistrano and All of Us Research Program, National Institutes of Health); PubMed 31911673 (cited by Quest Diagnostics Nichols Institute San Juan Capistrano).